The following is an entry in ClinVar:

ClinVar aggregate classification (germline): Pathogenic/Likely pathogenic. Review status: criteria provided, multiple submitters, no conflicts (2 of 4 stars). 2 submissions from 2 submitters: Pathogenic (1); Likely pathogenic (1). Last evaluated 2026-04-21.

Allele frequency attached by ClinVar (database versions not stated): ExAC 0.00001; gnomAD 0.00001; gnomAD exomes below 0.00001.
gnomAD v4.1: 4 of 1,612,348 alleles (0.00025%); highest among the groups gnomAD compares: Admixed American, 0.005%; no homozygotes.

Submissions (2):

Dasa
Classification: Likely pathogenic. Last evaluated: 2026-04-21. Review status: criteria provided, single submitter. Criteria: DASA Assertion Criteria. Collection method: clinical testing. Allele origin: germline.
Comment: NM_001378609.3(OTOGL):c.3501C>A (p.Cys1167*) is a nonsense variant in OTOGL predicted to introduce a premature termination codon and is predicted to result in an absent or altered protein product. Loss of function is an established disease mechanism for OTOGL-associated disorders. Also, this variant is rare in population databases. Based on the currently available evidence, this variant is classified as likely pathogenic.

GeneDx
Classification: Pathogenic. Last evaluated: 2022-04-26. Review status: criteria provided, single submitter. Criteria: GeneDx Variant Classification Process June 2021. Collection method: clinical testing. Allele origin: germline. Affected: yes.
Comment: Nonsense variant predicted to result in protein truncation or nonsense mediated decay in a gene for which loss-of-function is a known mechanism of disease; Not observed at a significant frequency in large population cohorts (gnomAD); Has not been previously published as pathogenic or benign to our knowledge

NM_001378609.3(OTOGL):c.3501C>A (p.Cys1167Ter)

Gene: OTOGL (otogelin like; plus strand). Cytogenetic location: 12q21.31.
Variant type: single nucleotide variant.
Coding change: c.3501C>A on transcript NM_001378609.3 (MANE Select); coding-DNA position 3501, C replaced by A.
Protein change: p.Cys1167Ter; replaces cysteine 1167 with a stop codon.
Molecular consequence: nonsense.
Genome position (GRCh38, 1-based): chr12:80,313,526, C>A. VCF-style: chr12-80313526-C-A. GRCh37 (hg19) VCF-style: chr12-80707306-C-A.
Other names: c.3366C>A, p.Cys1122Ter (NM_001368062.3); c.3501C>A, p.Cys1167Ter (NM_001378610.3, NM_173591.7); short protein forms C1122*, C1167*.
Identifiers: ClinVar variation 1254654 (VCV001254654.6), dbSNP rs755875951, ClinGen allele CA6701106.